The following is an entry in ClinVar:

NM_000038.6(APC):c.5181_5195del (p.Cys1727_Met1732delinsTrp)

Gene: APC (APC regulator of Wnt signaling pathway; plus strand). Cytogenetic location: 5q22.2.
Variant type: Deletion.
Coding change: c.5181_5195del on transcript NM_000038.6 (MANE Select); coding-DNA positions 5181 to 5195, 15 bases deleted (CATTAATTCTGCTAT).
Protein change: p.Cys1727_Met1732delinsTrp.
Molecular consequence: inframe indel.
Genome position (GRCh38, 1-based): chr5:112,840,775-112,840,789, CATTAATTCTGCTAT deleted. VCF-style (leftmost placement, unchanged base first): chr5-112840774-GCATTAATTCTGCTAT-G. GRCh37 (hg19) VCF-style: chr5-112176471-GCATTAATTCTGCTAT-G.
Other names: c.5181_5195del, p.Cys1727_Met1732delinsTrp (NM_001127510.3, NM_001354895.2); c.5127_5141del, p.Cys1709_Met1714delinsTrp (NM_001127511.3); c.5235_5249del, p.Cys1745_Met1750delinsTrp (NM_001354896.2); c.5211_5225del, p.Cys1737_Met1742delinsTrp (NM_001354897.2); c.5106_5120del, p.Cys1702_Met1707delinsTrp (NM_001354898.2); c.5097_5111del, p.Cys1699_Met1704delinsTrp (NM_001354899.2); c.5058_5072del, p.Cys1686_Met1691delinsTrp (NM_001354900.2); c.5004_5018del, p.Cys1668_Met1673delinsTrp (NM_001354901.2); and 6 more.
Identifiers: ClinVar variation 490295 (VCV000490295.15), dbSNP rs1554086508, ClinGen allele CA658683426.
Genomic context (GRCh38, chr5:112,840,774, plus strand): 5'-CTGTAACCATACCTGAATTGGATGACAATAAAGCAGAGGAAGGTGATATTCTTGCAGAAT[GCATTAATTCTGCTAT>G]GCCCAAAGGGAAAAGTCACAAGCCTTTCCGTGTGAAAAAGATAATGGACCAGGTCCAGCA-3'

ClinVar aggregate classification (germline): Uncertain significance. Review status: criteria provided, multiple submitters, no conflicts (2 of 4 stars). 4 submissions from 4 submitters: Uncertain significance (4). Last evaluated 2024-12-24.

Conditions:
Familial adenomatous polyposis 1 (FAP1). Also called: POLYPOSIS, ADENOMATOUS INTESTINAL; FAMILIAL ADENOMATOUS POLYPOSIS 1, ATTENUATED. Identifiers: MedGen C2713442, MONDO:0021056, OMIM 175100. Disease mechanism: loss of function.
Hereditary cancer-predisposing syndrome. Also called: Hereditary Cancer Syndrome; Neoplastic Syndromes, Hereditary; Tumor predisposition; Hereditary neoplastic syndrome. Identifiers: Orphanet 140162, MedGen C0027672, MeSH D009386, MONDO:0015356.
Classic or attenuated familial adenomatous polyposis. Identifiers: MedGen CN372698, MONDO:0021057.

Allele frequency attached by ClinVar (database versions not stated): gnomAD exomes below 0.00001.

Submissions (4):

Ambry Genetics
Classification: Uncertain significance for Hereditary cancer-predisposing syndrome. Last evaluated: 2024-12-24. Review status: criteria provided, single submitter. Criteria: Ambry Variant Classification Scheme 2023. Collection method: clinical testing. Allele origin: germline.
Comment: The c.5181_5195del15 variant (also known as p.C1727_M1732delinsW) is located in coding exon 15 of the APC gene. This variant results from an in-frame CATTAATTCTGCTAT deletion at nucleotide positions 5181 to 5195. The amino acids at codons 1727 to 1732 are replaced by a tryptophan residue. These amino acid positions are highly conserved in available vertebrate species. In addition, this alteration is predicted to be deleterious by in silico analysis (Choi Y et al. PLoS ONE. 2012; 7(10):e46688). Since supporting evidence is limited at this time, the clinical significance of this alteration remains unclear.

All of Us Research Program, National Institutes of Health
Classification: Uncertain significance for Classic or attenuated familial adenomatous polyposis. Last evaluated: 2023-06-08. Review status: criteria provided, single submitter. Criteria: ACMG Guidelines, 2015. Collection method: clinical testing. Allele origin: germline. Inheritance: Autosomal dominant inheritance. Observed: 1 variant allele, 1 heterozygote.
Comment: This variant replaces 6 consecutive amino acids from codons 1727 through 1732 of the APC protein with tryptophan. To our knowledge, functional studies have not been reported for this variant. This variant has not been reported in individuals affected with APC-related disorders in the literature. This variant has not been identified in the general population by the Genome Aggregation Database (gnomAD). The available evidence is insufficient to determine the role of this variant in disease conclusively. Therefore, this variant is classified as a Variant of Uncertain Significance.

This study involves interpretation of variants in research participants for the purpose of population health screening. Participant phenotype was not available at the time of variant classification. Additional details can be found in publication PMID: 35346344, PMCID: PMC8962531

Color Diagnostics, LLC DBA Color Health
Classification: Uncertain significance for Hereditary cancer-predisposing syndrome. Last evaluated: 2023-05-18. Review status: criteria provided, single submitter. Criteria: ACMG Guidelines, 2015. Collection method: clinical testing. Allele origin: germline.
Comment: This variant replaces 6 consecutive amino acids from codons 1727 through 1732 of the APC protein with tryptophan. To our knowledge, functional studies have not been reported for this variant. This variant has not been reported in individuals affected with APC-related disorders in the literature. This variant has not been identified in the general population by the Genome Aggregation Database (gnomAD). The available evidence is insufficient to determine the role of this variant in disease conclusively. Therefore, this variant is classified as a Variant of Uncertain Significance.

Labcorp Genetics (formerly Invitae), Labcorp
Classification: Uncertain significance for Familial adenomatous polyposis 1. Last evaluated: 2021-09-17. Review status: criteria provided, single submitter. Criteria: Invitae Variant Classification Sherloc (09022015). Collection method: clinical testing. Allele origin: germline.